The following continues an entry in ClinVar:

NM_016327.3(UPB1):c.917-1G>A

Gene: UPB1. ClinVar aggregate classification (germline): Pathogenic/Likely pathogenic. Pathogenic (18); Likely pathogenic (2).

Submissions 13 to 26 of 26:

Ambry Genetics
Classification: Pathogenic for Inborn genetic diseases. Last evaluated: 2022-02-11. Review status: criteria provided, single submitter. Criteria: Ambry Variant Classification Scheme 2023. Collection method: clinical testing. Allele origin: germline.
Comment: The c.917-1G>A intronic variant results from a G to A substitution one nucleotide before coding exon 9 of the UPB1 gene. Alterations that disrupt the canonical splice site are expected to cause aberrant splicing, resulting in an abnormal protein or a transcript that is subject to nonsense-mediated mRNA decay. Based on data from gnomAD, the A allele has an overall frequency of 0.18% (506/282852) total alleles studied. The highest observed frequency was 0.37% (38/10368) of Ashkenazi Jewish alleles. This mutation has been identified in the homozygous and compound heterozygous state in individuals with beta-ureidopropionase deficiency (van Kuilenburg, 2004; van Kuilenburg, 2012). This nucleotide position is highly conserved in available vertebrate species. In silico splice site analysis predicts that this alteration will weaken the native splice acceptor site and will result in the creation or strengthening of a novel splice acceptor site. Based on the available evidence, this alteration is classified as pathogenic.

Women's Health and Genetics/Laboratory Corporation of America, LabCorp
Classification: Pathogenic for Deficiency of beta-ureidopropionase. Last evaluated: 2021-11-12. Review status: criteria provided, single submitter. Criteria: LabCorp Variant Classification Summary - May 2015. Collection method: clinical testing. Allele origin: germline.
Comment: Variant summary: UPB1 c.917-1G>A alters a conserved nucleotide located in a canonical splice-site and is predicted to affect mRNA splicing resulting in a significantly altered protein due to either exon skipping, shortening, or inclusion of intronic material. Several computational tools predict a significant impact on normal splicing: Four predict the variant abolishes the canonical 3' splice acceptor site. Three predict the variant strengthens a cryptic exonic alternate 3' acceptor site. However, these predictions have yet to be unequivocally confirmed by functional studies. One publication reported a transcript with deletion of exon 6 presumably leading to a frameshift and probably a nonfunctional transcript. However, a transcript lacking exon 9 was not detected in this study (Kuilenburg_2006). Furthermore, the authors did not present primary data supporting their reported outcome. The variant allele was found at a frequency of 0.0018 in 251448 control chromosomes in the gnomAD database, including 1 homozygote. This frequency is not significantly higher than estimated for a pathogenic variant in UPB1 causing Deficiency Of Beta-Ureidopropionase allowing no conclusion about variant significance. c.917-1G>A has been reported in the literature in individuals affected with Deficiency Of Beta-Ureidopropionase (example, Kuilenburg_2004, Kuilenburg_2012, Fang_2019). These data indicate that the variant is likely to be associated with disease. To our knowledge, no experimental evidence demonstrating an impact on protein function has been reported. Nine clinical diagnostic laboratories have submitted clinical-significance assessments for this variant to ClinVar after 2014 without evidence for independent evaluation (Pathogenic, n=3, Benign, n=1). Based on the evidence outlined above, the variant was classified as pathogenic.

Institute for Clinical Genetics, University Hospital TU Dresden, University Hospital TU Dresden
Classification: Pathogenic. Last evaluated: 2021-11-03. Review status: criteria provided, single submitter. Criteria: ACMG Guidelines, 2015. Collection method: clinical testing. Allele origin: germline.

Elsea Laboratory, Baylor College of Medicine
Classification: Pathogenic for Deficiency of beta-ureidopropionase. Last evaluated: 2020-04-01. Review status: criteria provided, single submitter. Criteria: ACMG Guidelines, 2015. Collection method: clinical testing. Allele origin: maternal. Affected: no.

CeGaT Center for Human Genetics Tuebingen
Classification: Pathogenic. Last evaluated: 2019-08-01. Review status: criteria provided, single submitter. Criteria: CeGaT Center For Human Genetics Tuebingen Variant Classification Criteria Version 2. Collection method: clinical testing. Allele origin: germline. Affected: yes. Observed: 1 variant allele.

Fulgent Genetics
Classification: Pathogenic for Deficiency of beta-ureidopropionase. Last evaluated: 2018-10-31. Review status: criteria provided, single submitter. Criteria: ACMG Guidelines, 2015. Collection method: clinical testing. Allele origin: unknown.

Baylor Genetics
Classification: Pathogenic for Deficiency of beta-ureidopropionase. Last evaluated: 2018-06-07. Review status: criteria provided, single submitter. Criteria: ACMG Guidelines, 2015. Collection method: clinical testing. Allele origin: paternal. Affected: yes.
Comment: This variant was determined to be pathogenic according to ACMG Guidelines, 2015 [PMID:25741868].

Center for Pediatric Genomic Medicine, Children's Mercy Hospital and Clinics
Classification: Pathogenic. Last evaluated: 2017-05-08. Review status: criteria provided, single submitter. Criteria: ACMG Guidelines, 2015. Collection method: clinical testing. Allele origin: germline.

OMIM
Classification: Pathogenic for BETA-UREIDOPROPIONASE DEFICIENCY. Last evaluated: 2004-11-15. Review status: no assertion criteria provided. Collection method: literature only. Allele origin: germline. Not counted in ClinVar's aggregate classification.

Clinical Genetics DNA and cytogenetics Diagnostics Lab, Erasmus MC, Erasmus Medical Center
Classification: Likely pathogenic. Review status: no assertion criteria provided. Collection method: clinical testing. Allele origin: germline. Affected: yes. Study: VKGL Data-share Consensus. Not counted in ClinVar's aggregate classification.

Diagnostic Laboratory, Department of Genetics, University Medical Center Groningen
Classification: Likely pathogenic. Review status: no assertion criteria provided. Collection method: clinical testing. Allele origin: germline. Affected: yes. Study: VKGL Data-share Consensus. Not counted in ClinVar's aggregate classification.

Dr. Peter K. Rogan Lab, Western University
No classification provided (evidence only). Condition: Clear cell carcinoma of kidney. Review status: no classification provided. Collection method: in vitro. Allele origin: not applicable. Functional consequence: skipped exon, retained intron. Not counted in ClinVar's aggregate classification.

Dr. Peter K. Rogan Lab, Western University
No classification provided (evidence only). Condition: Cervical cancer. Review status: no classification provided. Collection method: in vitro. Allele origin: not applicable. Functional consequence: retained intron. Not counted in ClinVar's aggregate classification.

Dr. Peter K. Rogan Lab, Western University
No classification provided (evidence only). Condition: Malignant tumor of esophagus. Review status: no classification provided. Collection method: in vitro. Allele origin: not applicable. Functional consequence: retained intron. Not counted in ClinVar's aggregate classification.

Literature cited by the submitters: PubMed 16199547 (cited by Labcorp Genetics (formerly Invitae), Labcorp); PubMed 15385443 (cited by 6 submitters); PubMed 22525402 (cited by 3 submitters); PubMed 11783491 (cited by Labcorp Genetics (formerly Invitae), Labcorp); PubMed 24526388 (cited by 3 submitters); PubMed 30608453 (cited by 3 submitters); PubMed 35151535 (cited by Illumina Laboratory Services, Illumina and OMIM); PubMed 35926322 (cited by Illumina Laboratory Services, Illumina); PubMed 33789662 (cited by Laboratory for Molecular Medicine, Mass General Brigham Personalized Medicine); PubMed 17065070 (cited by Women's Health and Genetics/Laboratory Corporation of America, LabCorp); Assmann, B., Gohlich-Ratmann, G., Brautigam, C., Wagner, L., Moolenaar, S., Engelke, U., Wevers, R., Voit, T., Hoffmann, G. F. Presumptive ureidopropionase deficiency as a new defect in pyrimidine catabolism found with in vitro H-NMR spectroscopy. J. Inherit. Metab. Dis. 21 (suppl. 2): 1-only, 1998. (cited by OMIM).